The following is an entry in ClinVar:

ClinVar aggregate classification (germline): Uncertain significance. Review status: criteria provided, multiple submitters, no conflicts (2 of 4 stars). 2 submissions from 2 submitters: Uncertain significance (2). Last evaluated 2024-10-28.

Allele frequency attached by ClinVar (database versions not stated): gnomAD 0.00001; gnomAD exomes 0.00001 and 0.00002; ExAC 0.00002; TOPMed 0.00002; 1000 Genomes Project 30x 0.00016; 1000 Genomes Project 0.00020.

Submissions (2):

Ambry Genetics
Classification: Uncertain significance. Last evaluated: 2024-10-28. Review status: criteria provided, single submitter. Criteria: Ambry Variant Classification Scheme 2023. Collection method: clinical testing. Allele origin: germline.

Labcorp Genetics (formerly Invitae), Labcorp
Classification: Uncertain significance. Last evaluated: 2022-05-05. Review status: criteria provided, single submitter. Criteria: Invitae Variant Classification Sherloc (09022015). Collection method: clinical testing. Allele origin: germline.
Comment: This sequence change replaces glycine, which is neutral and non-polar, with serine, which is neutral and polar, at codon 244 of the RUSC2 protein (p.Gly244Ser). This variant is present in population databases (rs557955313, gnomAD 0.01%). This variant has not been reported in the literature in individuals affected with RUSC2-related conditions. Algorithms developed to predict the effect of missense changes on protein structure and function (SIFT, PolyPhen-2, Align-GVGD) all suggest that this variant is likely to be tolerated. Algorithms developed to predict the effect of sequence changes on RNA splicing suggest that this variant may create or strengthen a splice site. In summary, the available evidence is currently insufficient to determine the role of this variant in disease. Therefore, it has been classified as a Variant of Uncertain Significance.

NM_014806.5(RUSC2):c.730G>A (p.Gly244Ser)

Gene: RUSC2 (RUN and SH3 domain containing 2; plus strand). Cytogenetic location: 9p13.3.
Variant type: single nucleotide variant.
Coding change: c.730G>A on transcript NM_014806.5 (MANE Select); coding-DNA position 730, G replaced by A.
Protein change: p.Gly244Ser; replaces glycine 244 with serine.
Molecular consequence: missense variant. On other transcripts: non-coding transcript variant (1), intron variant (1).
Genome position (GRCh38, 1-based): chr9:35,547,251, G>A. VCF-style: chr9-35547251-G-A. GRCh37 (hg19) VCF-style: chr9-35547248-G-A.
Other names: c.730G>A, p.Gly244Ser (NM_001135999.2); c.-620-7809G>A (NM_001330740.2); c.730G>A (NM_001135999.1); short protein forms G244S.
Identifiers: ClinVar variation 1406119 (VCV001406119.6), dbSNP rs557955313, ClinGen allele CA5043519.